The following continues an entry in ClinVar:

NM_000545.8(HNF1A):c.779C>T (p.Thr260Met)

Gene: HNF1A. ClinVar aggregate classification (germline): Pathogenic. Pathogenic (1).

Submissions 8 to 11 of 11:

Broad Center for Mendelian Genomics, Broad Institute of MIT and Harvard
Classification: Likely pathogenic for Maturity-onset diabetes of the young. Last evaluated: 2020-01-13. Review status: criteria provided, single submitter. Criteria: ACMG Guidelines, 2015. Collection method: curation. Allele origin: germline. Inheritance: Autosomal dominant inheritance. Not counted in ClinVar's aggregate classification.
Comment: The p.Thr260Met variant in HNF1A has been reported in 13 individual with MODY, segregated with disease in 3 affected relatives from 1 family (PMID: 21224407, 22060211, 28105082, 28701371, 19754856, 20132997, 9045858, 15928245, 18003757, 23607861), and has been identified in 0.005% (1/18322) of East Asian chromosomes by the Genome Aggregation Database (gnomAD; dbSNP rs886039544). Please note that for diseases with clinical variability, or reduced penetrance, pathogenic variants may be present at a low frequency in the general population. In vitro functional studies provide some evidence that the p.Thr260Met variant may impact protein function (PMID: 30455330, 30507613, 23607861). However, these types of assays may not accurately represent biological function. Computational prediction tools and conservation analyses suggest that this variant may impact the protein, though this information is not predictive enough to determine pathogenicity. The p.Thr260Met is located in a region of HNF1A that is essential to protein folding and stability, suggesting that this variant is in a functional domain and supports pathogenicity (PMID: 28105082, 12453420). In summary, although additional studies are required to fully establish its clinical significance, this variant is likely pathogenic. ACMG/AMP Criteria applied: PS3_moderate, PS4_moderate, PM1, PM2_supporting, PP3, PP1 (Richards 2015).

Athena Diagnostics
Classification: Pathogenic. Last evaluated: 2018-02-16. Review status: criteria provided, single submitter. Criteria: Athena Diagnostics Criteria. Collection method: clinical testing. Allele origin: germline. Not counted in ClinVar's aggregate classification.

Clinical Genomics, Uppaluri K&H Personalized Medicine Clinic
Classification: Likely pathogenic for Maturity-onset diabetes of the young. Review status: criteria provided, single submitter. Criteria: K & H Uppaluri Personalized Medicine Clinic Variant Classification & Assertion Criteria_Updated V.1. Collection method: research. Allele origin: unknown. Inheritance: Autosomal dominant inheritance. Not counted in ClinVar's aggregate classification.
Comment: Mutations in HNF1A gene can predispose to MODY3. It is associated with both micro and macrovascular complications of diabetes, especially cardiovascular complications. Associated with glucosuria. May respond well to sulfonylureas. Sufficient evidence is found to confer the association of this particular variant rs886039544 with MODY3.

Cardiovascular Genetics Laboratory, PathWest Laboratory Medicine WA - Fiona Stanley Hospital
Classification: Pathogenic for Maturity-onset diabetes of the young type 3. Last evaluated: 2025-02-20. Review status: no assertion criteria provided. Criteria: ACMG Guidelines, 2015. Collection method: clinical testing. Allele origin: germline. Affected: yes. Not counted in ClinVar's aggregate classification.

Literature cited by the submitters: PubMed 32910913 (cited by Dasa); PubMed 30760653 (cited by Dasa); PubMed 29927023 (cited by Dasa); PubMed 30663027 (cited by Dasa and Labcorp Genetics (formerly Invitae), Labcorp); PubMed 29207974 (cited by Dasa and Athena Diagnostics); PubMed 28105082 (cited by 5 submitters); PubMed 28150508 (cited by Dasa); PubMed 9166684 (cited by 3 submitters); PubMed 15928245 (cited by 3 submitters); PubMed 23607861 (cited by 4 submitters); PubMed 11942313 (cited by Women's Health and Genetics/Laboratory Corporation of America, LabCorp); PubMed 10333057 (cited by Women's Health and Genetics/Laboratory Corporation of America, LabCorp); PubMed 16496320 (cited by Women's Health and Genetics/Laboratory Corporation of America, LabCorp and Athena Diagnostics); PubMed 12453420 (cited by 3 submitters); PubMed 17924661 (cited by Women's Health and Genetics/Laboratory Corporation of America, LabCorp); PubMed 9045858 (cited by 3 submitters); PubMed 28701371 (cited by Broad Center for Mendelian Genomics, Broad Institute of MIT and Harvard and Athena Diagnostics); PubMed 21224407 (cited by Broad Center for Mendelian Genomics, Broad Institute of MIT and Harvard and Athena Diagnostics); PubMed 30507613 (cited by Broad Center for Mendelian Genomics, Broad Institute of MIT and Harvard); PubMed 18003757 (cited by Broad Center for Mendelian Genomics, Broad Institute of MIT and Harvard and Athena Diagnostics); PubMed 19754856 (cited by Broad Center for Mendelian Genomics, Broad Institute of MIT and Harvard and Athena Diagnostics); PubMed 20132997 (cited by Broad Center for Mendelian Genomics, Broad Institute of MIT and Harvard and Athena Diagnostics); PubMed 22060211 (cited by Broad Center for Mendelian Genomics, Broad Institute of MIT and Harvard and Athena Diagnostics); PubMed 30455330 (cited by Broad Center for Mendelian Genomics, Broad Institute of MIT and Harvard); PubMed 20393147 (cited by Athena Diagnostics); PubMed 26446475 (cited by Athena Diagnostics); PubMed 34035238 (cited by Clinical Genomics, Uppaluri K&H Personalized Medicine Clinic).